The following is an entry in ClinVar:

NM_015073.3(SIPA1L3):c.1022C>G (p.Ala341Gly)

Gene: SIPA1L3 (signal induced proliferation associated 1 like 3; plus strand). Cytogenetic location: 19q13.13.
Variant type: single nucleotide variant.
Coding change: c.1022C>G on transcript NM_015073.3 (MANE Select); coding-DNA position 1022, C replaced by G.
Protein change: p.Ala341Gly; replaces alanine 341 with glycine.
Molecular consequence: missense variant.
Genome position (GRCh38, 1-based): chr19:38,082,587, C>G. VCF-style: chr19-38082587-C-G. GRCh37 (hg19) VCF-style: chr19-38573227-C-G.
Other names: short protein forms A341G.
Identifiers: ClinVar variation 4723719 (VCV004723719.1).

ClinVar aggregate classification (germline): Uncertain significance (1 of 4 stars; one submission).

gnomAD v4.1: 1 of 1,604,216 alleles (0.000062%); highest among the groups gnomAD compares: Non-Finnish European, 0.000085%; no homozygotes.

Submission:

Labcorp Genetics (formerly Invitae), Labcorp
Classification: Uncertain significance. Last evaluated: 2025-09-29. Review status: criteria provided, single submitter. Criteria: Invitae Variant Classification Sherloc (09022015). Collection method: clinical testing. Allele origin: germline.
Comment: This sequence change replaces alanine, which is neutral and non-polar, with glycine, which is neutral and non-polar, at codon 341 of the SIPA1L3 protein (p.Ala341Gly). This variant is not present in population databases (gnomAD no frequency). This variant has not been reported in the literature in individuals affected with SIPA1L3-related conditions. An algorithm developed to predict the effect of missense changes on protein structure and function (PolyPhen-2) suggests that this variant is likely to be tolerated. In summary, the available evidence is currently insufficient to determine the role of this variant in disease. Therefore, it has been classified as a Variant of Uncertain Significance.